The following is an entry in ClinVar:

NM_001903.5(CTNNA1):c.1178C>A (p.Ser393Tyr)

Gene: CTNNA1 (catenin alpha 1; plus strand). Cytogenetic location: 5q31.2.
Variant type: single nucleotide variant.
Coding change: c.1178C>A on transcript NM_001903.5 (MANE Select); coding-DNA position 1178, C replaced by A.
Protein change: p.Ser393Tyr; replaces serine 393 with tyrosine.
Molecular consequence: missense variant. On other transcripts: 5 prime UTR variant (5), intron variant (2).
Genome position (GRCh38, 1-based): chr5:138,887,524, C>A. VCF-style: chr5-138887524-C-A. GRCh37 (hg19) VCF-style: chr5-138223213-C-A.
Other names: c.1178C>A, p.Ser393Tyr (NM_001290307.3, NM_001323982.2, NM_001323983.1 and 3 more transcripts); c.869C>A, p.Ser290Tyr (NM_001290309.3); c.809C>A, p.Ser270Tyr (NM_001290310.3); c.68C>A, p.Ser23Tyr (NM_001290312.1, NM_001323987.1, NM_001323988.1 and 18 more transcripts); c.-330C>A (NM_001324006.1, NM_001324007.1, NM_001324008.1 and 1 more transcripts); c.-205C>A (NM_001324013.1); c.-58+11927C>A (NM_001324012.1); c.-61+11927C>A (NM_001324010.1); short protein forms S23Y, S290Y, S270Y, S393Y.
Identifiers: ClinVar variation 947465 (VCV000947465.11), dbSNP rs1754339244, ClinGen allele CA361133011.
Genomic context (GRCh38, chr5:138,887,524, plus strand): 5'-TCAAATTTTTACAATTTAATCATTAGCTCCGCAAAGCTGTCATGGACCACGTTTCAGATT[C>A]TTTCCTGGAAACCAATGTTCCACTTTTGGTATTGATTGAAGCTGCAAAGAATGGAAATGA-3'
Protein context (NP_001894.2, residues 383-403): RKAVMDHVSD[Ser393Tyr]FLETNVPLLV

ClinVar aggregate classification (germline): Uncertain significance. Review status: criteria provided, multiple submitters, no conflicts (2 of 4 stars). 2 submissions from 2 submitters: Uncertain significance (2). Last evaluated 2025-12-22.

Conditions:
Hereditary cancer-predisposing syndrome. Also called: Tumor predisposition; Hereditary neoplastic syndrome; Hereditary Cancer Syndrome; Neoplastic Syndromes, Hereditary. Identifiers: Orphanet 140162, MedGen C0027672, MeSH D009386, MONDO:0015356.

Allele frequency attached by ClinVar (database versions not stated): gnomAD exomes below 0.00001; gnomAD 0.00001.
gnomAD v4.1: 3 of 1,609,500 alleles (0.00019%); highest among the groups gnomAD compares: Non-Finnish European, 0.00025%; no homozygotes.

Submissions (2):

Ambry Genetics
Classification: Uncertain significance for Hereditary cancer-predisposing syndrome. Last evaluated: 2025-12-22. Review status: criteria provided, single submitter. Criteria: Ambry Variant Classification Scheme 2023. Collection method: clinical testing. Allele origin: germline.
Comment: The p.S393Y variant (also known as c.1178C>A), located in coding exon 8 of the CTNNA1 gene, results from a C to A substitution at nucleotide position 1178. The serine at codon 393 is replaced by tyrosine, an amino acid with dissimilar properties. In one study, this alteration was identified in 1/151,425 individuals who underwent multi-gene germline genetic testing and classified as a variant of uncertain significance by the authors (Clark DF et al. Genet Med, 2020 05;22:840-846). This amino acid position is highly conserved in available vertebrate species. In addition, this alteration is predicted to be deleterious by in silico analysis. Since supporting evidence is limited at this time, the clinical significance of this alteration remains unclear.

Labcorp Genetics (formerly Invitae), Labcorp
Classification: Uncertain significance. Last evaluated: 2025-08-27. Review status: criteria provided, single submitter. Criteria: Invitae Variant Classification Sherloc (09022015). Collection method: clinical testing. Allele origin: germline.
Comment: This sequence change replaces serine, which is neutral and polar, with tyrosine, which is neutral and polar, at codon 393 of the CTNNA1 protein (p.Ser393Tyr). This variant is not present in population databases (gnomAD no frequency). This variant has not been reported in the literature in individuals affected with CTNNA1-related conditions. ClinVar contains an entry for this variant (Variation ID: 947465). Invitae Evidence Modeling of protein sequence and biophysical properties (such as structural, functional, and spatial information, amino acid conservation, physicochemical variation, residue mobility, and thermodynamic stability) indicates that this missense variant is not expected to disrupt CTNNA1 protein function with a negative predictive value of 80%. In summary, the available evidence is currently insufficient to determine the role of this variant in disease. Therefore, it has been classified as a Variant of Uncertain Significance.

Literature cited by the submitters: PubMed 32051609 (cited by Ambry Genetics).